The following is an entry in ClinVar:

ClinVar aggregate classification (germline): Conflicting classifications of pathogenicity. Review status: criteria provided, conflicting classifications (1 of 4 stars). 3 submissions from 3 submitters: Uncertain significance (1); Benign (1); Likely benign (1). Last evaluated 2025-09-28.

Conditions:
Adenosine kinase deficiency. Also called: Hypermethioninemia due to adenosine kinase deficiency; MENTAL RETARDATION, AUTOSOMAL RECESSIVE 8. Identifiers: Orphanet 289290, Orphanet 88616, MedGen C4706555, MONDO:0100255, OMIM 614300.

Allele frequency attached by ClinVar (database versions not stated): gnomAD 0.00023 and 0.00024; ExAC 0.00025; gnomAD exomes 0.00025 and 0.00041; TOPMed 0.00026; ESP Exome Variant Server 0.00038.
gnomAD v4.1: 419 of 1,613,804 alleles (0.026%); highest among the groups gnomAD compares: Non-Finnish European, 0.013%; 1 homozygote.

Submissions (3):

Labcorp Genetics (formerly Invitae), Labcorp
Classification: Benign. Last evaluated: 2025-09-28. Review status: criteria provided, single submitter. Criteria: Invitae Variant Classification Sherloc (09022015). Collection method: clinical testing. Allele origin: germline.

CeGaT Center for Human Genetics Tuebingen
Classification: Likely benign. Last evaluated: 2024-08-01. Review status: criteria provided, single submitter. Criteria: CeGaT Center For Human Genetics Tuebingen Variant Classification Criteria Version 2. Collection method: clinical testing. Allele origin: germline. Affected: yes. Observed: 1 variant allele.
Comment: ADK: BP4, BP7

Illumina Laboratory Services, Illumina
Classification: Uncertain significance for Adenosine kinase deficiency. Last evaluated: 2017-04-27. Review status: criteria provided, single submitter. Criteria: ICSL Variant Classification Criteria 13 December 2019. Collection method: clinical testing. Allele origin: germline.

NM_006721.4(ADK):c.429C>T (p.Cys143=)

Gene: ADK (adenosine kinase; plus strand). Cytogenetic location: 10q22.2.
Variant type: single nucleotide variant.
Coding change: c.429C>T on transcript NM_006721.4 (MANE Select); coding-DNA position 429, C replaced by T.
Protein change: p.Cys143=; no amino-acid change (cysteine 143 retained).
Molecular consequence: synonymous variant.
Genome position (GRCh38, 1-based): chr10:74,394,296, C>T. VCF-style: chr10-74394296-C-T. GRCh37 (hg19) VCF-style: chr10-76154054-C-T.
Other names: c.378C>T, p.Cys126= (NM_001123.4, NM_001369124.1); c.324C>T, p.Cys108= (NM_001202449.2); c.429C>T, p.Cys143= (NM_001202450.2, NM_001369123.1).
Identifiers: ClinVar variation 877826 (VCV000877826.24), dbSNP rs142477111, ClinGen allele CA5563950.
Genomic context (GRCh38, chr10:74,394,296, plus strand): 5'-CCATGTGGATGCTCATTACTACGAGCAGAATGAGCAGCCAACAGGAACTTGTGCTGCATG[C>T]ATCACTGGTGACAACAGGTCAGTGTAATTCCAAGGGAACCACTATACTAATTGGCTATTT-3'
Protein context (NP_006712.2, residues 133-153): NEQPTGTCAA[Cys143=]ITGDNRSLIA